The following is an entry in ClinVar:

ClinVar aggregate classification (germline): Uncertain significance (1 of 4 stars; one submission).

Conditions:
Dyskeratosis congenita. Identifiers: Orphanet 1775, MedGen C0265965, MONDO:0015780.

Allele frequency attached by ClinVar (database versions not stated): gnomAD exomes below 0.00001.

Submission:

Labcorp Genetics (formerly Invitae), Labcorp
Classification: Uncertain significance for Dyskeratosis congenita. Last evaluated: 2025-04-27. Review status: criteria provided, single submitter. Criteria: Invitae Variant Classification Sherloc (09022015). Collection method: clinical testing. Allele origin: germline.
Comment: This sequence change replaces alanine, which is neutral and non-polar, with proline, which is neutral and non-polar, at codon 7 of the TINF2 protein (p.Ala7Pro). This variant is present in population databases (no rsID available, gnomAD 0.003%). This variant has not been reported in the literature in individuals affected with TINF2-related conditions. ClinVar contains an entry for this variant (Variation ID: 998543). An algorithm developed to predict the effect of missense changes on protein structure and function (PolyPhen-2) suggests that this variant is likely to be tolerated. In summary, the available evidence is currently insufficient to determine the role of this variant in disease. Therefore, it has been classified as a Variant of Uncertain Significance.

NM_001099274.3(TINF2):c.19G>C (p.Ala7Pro)

Gene: TINF2 (TERF1 interacting nuclear factor 2; minus strand). Cytogenetic location: 14q12.
Variant type: single nucleotide variant.
Coding change: c.19G>C on transcript NM_001099274.3 (MANE Select); coding-DNA position 19, G replaced by C.
Protein change: p.Ala7Pro; replaces alanine 7 with proline.
Molecular consequence: missense variant.
Genome position (GRCh38, 1-based): chr14:24,242,314, C>G on the plus strand (G>C on the coding strand, the complement: TINF2 is on the minus strand). VCF-style: chr14-24242314-C-G. GRCh37 (hg19) VCF-style: chr14-24711520-C-G.
Other names: c.19G>C, p.Ala7Pro (NM_001363668.2, NM_012461.3); short protein forms A7P.
Identifiers: ClinVar variation 998543 (VCV000998543.8), dbSNP rs1329482510, ClinGen allele CA389236945.
Genomic context (GRCh38, chr14:24,242,314, plus strand): 5'-AGCGTCCGCGCACAACCTGCCAGCTAGCCGCGGCGGCGAAGCGTAGAGCTGCGGGACCCG[C>G]CACCAGGGGCGTAGCCATGGTCGGCGGGCTCCGCCCGGAGGCGGTCCCTCCGGGTTCCTC-3'
Protein context (NP_001092744.1, residues 1-17): MATPLV[Ala7Pro]GPAALRFAAA